The following is an entry in ClinVar:

NM_001040142.2(SCN2A):c.1672-3T>C

Gene: SCN2A (sodium voltage-gated channel alpha subunit 2; plus strand). Cytogenetic location: 2q24.3.
Variant type: single nucleotide variant.
Coding change: c.1672-3T>C on transcript NM_001040142.2 (MANE Select); 3 bases into the intron before coding-DNA position 1672, T replaced by C.
Molecular consequence: intron variant.
Genome position (GRCh38, 1-based): chr2:165,323,153, T>C. VCF-style: chr2-165323153-T-C. GRCh37 (hg19) VCF-style: chr2-166179663-T-C.
Other names: c.1672-3T>C (NM_001040143.2, NM_001371246.1, NM_001371247.1 and 1 more transcripts).
Identifiers: ClinVar variation 410977 (VCV000410977.11), dbSNP rs769105267, ClinGen allele CA1939865.

ClinVar aggregate classification (germline): Conflicting classifications of pathogenicity. Review status: criteria provided, conflicting classifications (1 of 4 stars). 3 submissions from 3 submitters: Uncertain significance (2); Likely benign (1). Last evaluated 2025-11-27.

Conditions:
Seizures, benign familial infantile, 3 (BFIS3). Also called: Familial neonatal seizures; CONVULSIONS, BENIGN FAMILIAL INFANTILE, 3. Identifiers: Orphanet 140927, Orphanet 306, MedGen C1843140, MONDO:0011904, OMIM 607745.
Developmental and epileptic encephalopathy, 11 (DEE11). Also called: Early infantile epileptic encephalopathy 11. Identifiers: Orphanet 1934, MedGen C3150987, MONDO:0013388, OMIM 613721.
Complex neurodevelopmental disorder. Identifiers: Orphanet 528084, MedGen C5568766, MONDO:0100038.

Allele frequency attached by ClinVar (database versions not stated): gnomAD exomes 0.00001; ExAC 0.00001; TOPMed 0.00005; gnomAD 0.00001 and 0.00002.
gnomAD v4.1: 8 of 1,613,650 alleles (0.0005%); highest among the groups gnomAD compares: Admixed American, 0.005%; no homozygotes.

Submissions (3):

Dasa
Classification: Uncertain significance for Complex neurodevelopmental disorder. Last evaluated: 2025-11-27. Review status: criteria provided, single submitter. Criteria: DASA Assertion Criteria. Collection method: clinical testing. Allele origin: germline.
Comment: NM_001040142.2(SCN2A):c.1672-3T>C is a splice-region variant. This classification is supported by population frequency inconsistent with a disease-causing role. The currently available literature and clinical evidence are not sufficient to establish a definitive association between this variant and the reported condition. Therefore, this variant is classified as a variant of uncertain significance.

Labcorp Genetics (formerly Invitae), Labcorp
Classification: Uncertain significance for Seizures, benign familial infantile, 3; Developmental and epileptic encephalopathy, 11. Last evaluated: 2025-02-17. Review status: criteria provided, single submitter. Criteria: Invitae Variant Classification Sherloc (09022015). Collection method: clinical testing. Allele origin: germline.
Comment: This sequence change falls in intron 11 of the SCN2A gene. It does not directly change the encoded amino acid sequence of the SCN2A protein. It affects a nucleotide within the consensus splice site. This variant is present in population databases (rs769105267, gnomAD 0.003%). This variant has not been reported in the literature in individuals affected with SCN2A-related conditions. ClinVar contains an entry for this variant (Variation ID: 410977). Variants that disrupt the consensus splice site are a relatively common cause of aberrant splicing (PMID: 17576681, 9536098). Algorithms developed to predict the effect of sequence changes on RNA splicing suggest that this variant is not likely to affect RNA splicing. In summary, the available evidence is currently insufficient to determine the role of this variant in disease. Therefore, it has been classified as a Variant of Uncertain Significance.

GeneDx
Classification: Likely benign. Last evaluated: 2020-09-28. Review status: criteria provided, single submitter. Criteria: GeneDx Variant Classification Process June 2021. Collection method: clinical testing. Allele origin: germline. Affected: yes.

Literature cited by the submitters: PubMed 17576681 (cited by Labcorp Genetics (formerly Invitae), Labcorp); PubMed 9536098 (cited by Labcorp Genetics (formerly Invitae), Labcorp).